The following is an entry in ClinVar:

ClinVar aggregate classification (germline): Uncertain significance (1 of 4 stars; one submission).

Submission:

Women's Health and Genetics/Laboratory Corporation of America, LabCorp
Classification: Uncertain significance. Last evaluated: 2026-05-19. Review status: criteria provided, single submitter. Criteria: LabCorp Variant Classification Summary - May 2015. Collection method: clinical testing. Allele origin: germline.
Comment: Variant summary: TTN c.52043G>A (p.Arg17348Lys) results in a conservative amino acid change in the encoded protein sequence. Algorithms developed to predict the effect of missense changes on protein structure and function are either unavailable or do not agree on the potential impact of this missense change. The variant was absent in 247262 control chromosomes. The available data on variant occurrences in the general population are insufficient to allow any conclusion about variant significance. To our knowledge, no occurrence of c.52043G>A in individuals affected with TTN-related conditions and no experimental evidence demonstrating its impact on protein function have been reported. No submitters have cited clinical-significance assessments for this variant to ClinVar. Based on the evidence outlined above, the variant was classified as uncertain significance.

NM_001267550.2(TTN):c.59747G>A (p.Arg19916Lys)

Genes: TTN (titin; minus strand), TTN-AS1 (TTN antisense RNA 1; plus strand), LOC126806424 (CDK7 strongly-dependent group 2 enhancer GRCh37_chr2:179456337-179457536; plus strand). Cytogenetic location: 2q31.2.
Variant type: single nucleotide variant.
Coding change: c.59747G>A on transcript NM_001267550.2 (MANE Select); coding-DNA position 59747, G replaced by A.
Protein change: p.Arg19916Lys; replaces arginine 19916 with lysine.
Molecular consequence: missense variant.
Genome position (GRCh38, 1-based): chr2:178,592,157, C>T on the plus strand (G>A on the coding strand, the complement: TTN is on the minus strand). VCF-style: chr2-178592157-C-T. GRCh37 (hg19) VCF-style: chr2-179456884-C-T.
Other names: c.54824G>A, p.Arg18275Lys (NM_001256850.1); c.32552G>A, p.Arg10851Lys (NM_003319.4); c.52043G>A, p.Arg17348Lys (NM_133378.4); c.32927G>A, p.Arg10976Lys (NM_133432.3); c.33128G>A, p.Arg11043Lys (NM_133437.4); short protein forms R10851K, R10976K, R11043K, R17348K, R18275K, R19916K.
Identifiers: ClinVar variation 4852973 (VCV004852973.1).